The following is an entry in ClinVar:

NC_000019.9:g.(?_10939692)_(10941723_?)dup

Gene: DNM2 (dynamin 2; plus strand). Cytogenetic location: 19p13.2.
Variant type: Duplication.
Identifiers: ClinVar variation 1431782 (VCV001431782.5).

ClinVar aggregate classification (germline): Uncertain significance (1 of 4 stars; one submission).

Conditions:
Charcot-Marie-Tooth disease dominant intermediate B (CMTDIB). Also called: CHARCOT-MARIE-TOOTH NEUROPATHY, DOMINANT INTERMEDIATE B; Charcot-Marie-Tooth disease dominant intermediate 1; CMT DI1; Charcot-Marie-Tooth disease dominant intermediate I. Identifiers: Orphanet 100044, Orphanet 228179, MedGen C1847902, MONDO:0011674, OMIM 606482.

Submission:

Labcorp Genetics (formerly Invitae), Labcorp
Classification: Uncertain significance for Charcot-Marie-Tooth disease dominant intermediate B. Last evaluated: 2023-09-08. Review status: criteria provided, single submitter. Criteria: Invitae Variant Classification Sherloc (09022015). Collection method: clinical testing. Allele origin: germline.
Comment: This variant results in a copy number gain of the genomic region encompassing exon(s) 19-21 of the DNM2 gene. This region includes the termination codon of the gene. This copy number gain extends beyond the assayed region for this gene and therefore may encompass additional genes. As the precise location of this event is unknown, it may be in tandem or it may be located elsewhere in the genome. This variant has not been reported in the literature in individuals affected with DNM2-related conditions. In summary, the available evidence is currently insufficient to determine the role of this variant in disease. Therefore, it has been classified as a Variant of Uncertain Significance.